The following is an entry in ClinVar:

NM_021120.4(DLG3):c.436G>A (p.Ala146Thr)

Gene: DLG3 (discs large MAGUK scaffold protein 3; plus strand). Cytogenetic location: Xq13.1.
Variant type: single nucleotide variant.
Coding change: c.436G>A on transcript NM_021120.4 (MANE Select); coding-DNA position 436, G replaced by A.
Protein change: p.Ala146Thr; replaces alanine 146 with threonine.
Molecular consequence: missense variant.
Genome position (GRCh38, 1-based): chrX:70,449,386, G>A. VCF-style: chrX-70449386-G-A. GRCh37 (hg19) VCF-style: chrX-69669236-G-A.
Other names: short protein forms A146T.
Identifiers: ClinVar variation 3364742 (VCV003364742.2).
Genomic context (GRCh38, chrX:70,449,386, plus strand): 5'-GAACAGACTGTGCCTTTCCACCCACTTCTGCAGGGCAACTCTGGCCTGGGCTTCAGTATC[G>A]CAGGTGGCATCGACAATCCCCATGTCCCTGATGACCCTGGCATCTTTATTACCAAGATTA-3'
Protein context (NP_066943.2, residues 136-156): RGNSGLGFSI[Ala146Thr]GGIDNPHVPD

ClinVar aggregate classification (germline): Uncertain significance (1 of 4 stars; one submission).

Submission:

GeneDx
Classification: Uncertain significance. Last evaluated: 2025-11-14. Review status: criteria provided, single submitter. Criteria: GeneDx Variant Classification Process June 2021. Collection method: clinical testing. Allele origin: germline.
Comment: Not observed at significant frequency in large population cohorts (gnomAD); In silico analysis supports that this missense variant has a deleterious effect on protein structure/function; Has not been previously published as pathogenic or benign to our knowledge